The following is an entry in ClinVar:

NC_000009.11:g.(?_131271135)_(131285115_?)dup

Gene: GLE1 (GLE1 RNA export mediator; plus strand). Cytogenetic location: 9q34.11.
Variant type: Duplication.
Identifiers: ClinVar variation 3245298 (VCV003245298.1).

ClinVar aggregate classification (germline): Likely pathogenic (1 of 4 stars; one submission).

Submission:

Labcorp Genetics (formerly Invitae), Labcorp
Classification: Likely pathogenic. Last evaluated: 2024-01-18. Review status: criteria provided, single submitter. Criteria: Invitae Variant Classification Sherloc (09022015). Collection method: clinical testing. Allele origin: unknown.
Comment: This variant results in a copy number gain of the genomic region encompassing exon(s) 2-4 of the GLE1 gene. While the exact position of this variant cannot be determined from the data, sub-genic copy number gains are generally in tandem (PMID: 25640679). This variant is predicted to be out-of-frame, and may result in an absent or disrupted protein product. Loss-of-function variants in GLE1 are known to be pathogenic (PMID: 18204449, 24243016, 27684565). This variant has not been reported in the literature in individuals affected with GLE1-related conditions. In summary, the currently available evidence indicates that the variant is pathogenic, but additional data are needed to prove that conclusively. Therefore, this variant has been classified as Likely Pathogenic.

Literature cited by the submitters: PubMed 25640679; PubMed 18204449; PubMed 24243016; PubMed 27684565.